The following is an entry in ClinVar:

ClinVar aggregate classification (germline): Conflicting classifications of pathogenicity. Review status: criteria provided, conflicting classifications (1 of 4 stars). 5 submissions from 4 submitters: Uncertain significance (1); Likely benign (4). Last evaluated 2026-05-12.

Conditions:
Hereditary cancer-predisposing syndrome. Also called: Neoplastic Syndromes, Hereditary; Hereditary Cancer Syndrome; Tumor predisposition; Hereditary neoplastic syndrome. Identifiers: Orphanet 140162, MedGen C0027672, MeSH D009386, MONDO:0015356.
Cardiovascular phenotype. Identifiers: MedGen CN230736.
Neurofibromatosis, type 1 (NF1). Also called: Peripheral type neurofibromatosis; Neurofibromatosis, type I; VON RECKLINGHAUSEN DISEASE; NEUROFIBROMATOSIS, TYPE I, SOMATIC. Identifiers: Orphanet 636, MedGen C0027831, MONDO:0018975, OMIM 162200. Disease mechanism: loss of function.

gnomAD v4.1: 2 of 1,612,462 alleles (0.00012%); highest among the groups gnomAD compares: Middle Eastern, 0.016%; no homozygotes.

Submissions (5):

Myriad Genetics, Inc.
Classification: Likely benign for Neurofibromatosis, type 1. Last evaluated: 2026-05-12. Review status: criteria provided, single submitter. Criteria: Myriad Autosomal Dominant, Autosomal Recessive and X-Linked Classification Criteria (2023). Collection method: clinical testing. Allele origin: unknown.
Comment: This variant is considered likely benign. This variant is intronic and is not expected to impact mRNA splicing.

Labcorp Genetics (formerly Invitae), Labcorp
Classification: Likely benign for Neurofibromatosis, type 1. Last evaluated: 2025-09-22. Review status: criteria provided, single submitter. Criteria: Invitae Variant Classification Sherloc (09022015). Collection method: clinical testing. Allele origin: germline.

Ambry Genetics
Classification: Likely benign for Cardiovascular phenotype; Hereditary cancer-predisposing syndrome. Last evaluated: 2025-07-17. Review status: criteria provided, single submitter. Criteria: Ambry Variant Classification Scheme 2023. Collection method: clinical testing. Allele origin: germline.

Blueprint Genetics
Classification: Likely benign. Last evaluated: 2024-11-13. Review status: criteria provided, single submitter. Criteria: ACMG Guidelines, 2015. Collection method: clinical testing. Allele origin: germline.

Ambry Genetics
Classification: Uncertain significance for Hereditary cancer-predisposing syndrome. Last evaluated: 2015-08-29. Review status: criteria provided, single submitter. Criteria: Ambry Autosomal Dominant and X-Linked criteria (10/2015). Collection method: clinical testing. Allele origin: germline. Observed: 1 variant allele.
Comment: The c.3871-4G>A intronic variant results from a G to A substitution 4 nucleotides upstream from coding exon 29 in the NF1 gene. This variant was not reported in population based cohorts in the following databases: Database of Single Nucleotide Polymorphisms (dbSNP), NHLBI Exome Sequencing Project (ESP), and 1000 Genomes Project. In the ESP, this variant was not observed in 6503 samples (13006 alleles) with coverage at this position. To date, this alteration has been detected with an allele frequency of approximately 0.002% (greater than 55000 alleles tested) in our clinical cohort. This nucleotide position is not well conserved in available vertebrate species. Using the BDGP and ESEfinder splice site prediction tools, this alteration is not predicted to have any significant effect on this splice acceptorsite; however, direct evidence is unavailable. Since supporting evidence is limited at this time, the clinical significance of this variant remains unclear.

NM_001042492.3(NF1):c.3871-4G>A

Gene: NF1 (neurofibromin 1; plus strand). Cytogenetic location: 17q11.2.
Variant type: single nucleotide variant.
Coding change: c.3871-4G>A on transcript NM_001042492.3 (MANE Select); 4 bases into the intron before coding-DNA position 3871, G replaced by A.
Molecular consequence: intron variant.
Genome position (GRCh38, 1-based): chr17:31,235,914, G>A. VCF-style: chr17-31235914-G-A. GRCh37 (hg19) VCF-style: chr17-29562932-G-A.
Other names: c.3871-4G>A (NM_000267.4).
Identifiers: ClinVar variation 233616 (VCV000233616.14), dbSNP rs558421445, ClinGen allele CA8486265.